The following is an entry in ClinVar:

NM_000135.4(FANCA):c.1370G>T (p.Gly457Val)

Gene: FANCA (FA complementation group A; minus strand). Cytogenetic location: 16q24.3.
Variant type: single nucleotide variant.
Coding change: c.1370G>T on transcript NM_000135.4 (MANE Select); coding-DNA position 1370, G replaced by T.
Protein change: p.Gly457Val; replaces glycine 457 with valine.
Molecular consequence: missense variant.
Genome position (GRCh38, 1-based): chr16:89,784,954, C>A on the plus strand (G>T on the coding strand, the complement: FANCA is on the minus strand). VCF-style: chr16-89784954-C-A. GRCh37 (hg19) VCF-style: chr16-89851362-C-A.
Other names: c.1370G>T, p.Gly457Val (NM_001286167.3); short protein forms G457V.
Identifiers: ClinVar variation 4843005 (VCV004843005.1).

ClinVar aggregate classification (germline): Uncertain significance (1 of 4 stars; one submission).

Conditions:
Inborn genetic diseases. Identifiers: MedGen C0950123, MeSH D030342.

Submission:

Ambry Genetics
Classification: Uncertain significance for Inborn genetic diseases. Last evaluated: 2025-12-17. Review status: criteria provided, single submitter. Criteria: Ambry Variant Classification Scheme 2023. Collection method: clinical testing. Allele origin: germline.
Comment: The p.G457V variant (also known as c.1370G>T), located in coding exon 15 of the FANCA gene, results from a G to T substitution at nucleotide position 1370. The glycine at codon 457 is replaced by valine, an amino acid with dissimilar properties. This amino acid position is conserved. In addition, this alteration is predicted to be deleterious by in silico analysis. Based on the available evidence, the clinical significance of this variant remains unclear.